The following is an entry in ClinVar:

ClinVar aggregate classification (germline): Uncertain significance (1 of 4 stars; one submission).

Conditions:
Spastic paraplegia. Identifiers: MedGen C0037772, HP:0001258.

Submission:

Labcorp Genetics (formerly Invitae), Labcorp
Classification: Uncertain significance for Spastic paraplegia. Last evaluated: 2021-12-02. Review status: criteria provided, single submitter. Criteria: Invitae Variant Classification Sherloc (09022015). Collection method: clinical testing. Allele origin: germline.
Comment: In summary, the available evidence is currently insufficient to determine the role of this variant in disease. Therefore, it has been classified as a Variant of Uncertain Significance. Algorithms developed to predict the effect of sequence changes on RNA splicing suggest that this variant may create or strengthen a splice site. Experimental studies and prediction algorithms are not available or were not evaluated, and the functional significance of this variant is currently unknown. This variant has not been reported in the literature in individuals affected with GJC2-related conditions. The frequency data for this variant in the population databases is considered unreliable, as metrics indicate poor data quality at this position in the gnomAD database. This variant, c.545_565dup, results in the insertion of 7 amino acid(s) of the GJC2 protein (p.Val182_Ala188dup), but otherwise preserves the integrity of the reading frame.

NM_020435.4(GJC2):c.545_565dup (p.Val182_Ala188dup)

Gene: GJC2 (gap junction protein gamma 2; plus strand). Cytogenetic location: 1q42.13.
Variant type: Duplication.
Coding change: c.545_565dup on transcript NM_020435.4 (MANE Select); coding-DNA positions 545 to 565, 21 bases duplicated (TCGGCGCTGACGGCAAGGCGG).
Protein change: p.Val182_Ala188dup.
Molecular consequence: inframe insertion.
Genome position (GRCh38, 1-based): chr1:228,158,303-228,158,323, TCGGCGCTGACGGCAAGGCGG duplicated; duplicating any 21 consecutive bases within chr1:228,158,296-228,158,323 gives the same sequence; the c. name uses the placement nearest the transcript's 3' end. VCF-style (leftmost placement, unchanged base first): chr1-228158295-T-TAAGGCGGTCGGCGCTGACGGC. GRCh37 (hg19) VCF-style: chr1-228345996-T-TAAGGCGGTCGGCGCTGACGGC.
Identifiers: ClinVar variation 1381441 (VCV001381441.8), dbSNP rs1553262516, ClinGen allele CA529465564.